The following is an entry in ClinVar:

NM_001009944.3(PKD1):c.10524_10525insT (p.Glu3509Ter)

Genes: PKD1 (polycystin 1, transient receptor potential channel interacting; minus strand), PKD1-AS1 (PKD1 antisense RNA 1; plus strand). Cytogenetic location: 16p13.3.
Variant type: Insertion.
Coding change: c.10524_10525insT on transcript NM_001009944.3 (MANE Select); coding-DNA positions 10524 to 10525, T inserted.
Protein change: p.Glu3509Ter; replaces glutamic acid 3509 with a stop codon.
Molecular consequence: nonsense.
Genome position: GRCh38 VCF-style: chr16-2094185-C-CA. GRCh37 (hg19) VCF-style: chr16-2144186-C-CA.
Other names: c.10521_10522insT, p.Glu3508Ter (NM_000296.4); short protein forms E3508*, E3509*.
Identifiers: ClinVar variation 3335845 (VCV003335845.2).

ClinVar aggregate classification (germline): Pathogenic (1 of 4 stars; one submission).

Conditions:
Polycystic kidney disease, adult type (PKD1). Also called: Polycystic Kidney, Autosomal Dominant; POLYCYSTIC KIDNEY DISEASE 1 WITH OR WITHOUT POLYCYSTIC LIVER DISEASE; POLYCYSTIC KIDNEY DISEASE, ADULT, TYPE I; Polycystic Kidney Disease 1, Autosomal Dominant; Polycystic kidney disease 1; Polycystic kidney disease 1, severe. Identifiers: MedGen C3149841, MONDO:0008263, OMIM 173900.

Submission:

Juno Genomics, Hangzhou Juno Genomics, Inc
Classification: Pathogenic for Polycystic kidney disease, adult type. Review status: criteria provided, single submitter. Criteria: ACMG Guidelines, 2015. Collection method: clinical testing. Allele origin: germline. Affected: yes.
Comment: Absent from controls (or at extremely low frequency if recessive) in Genome Aggregation Database, Exome Sequencing Project, 1000 Genomes Project, or Exome Aggregation Consortium.;Null variant in a gene where loss of function (LOF) is a known mechanism of disease.;The prevalence of the variant in affected individuals is significantly increased compared to the prevalence in controls.;Patient's phenotype or family history is highly specific for a disease with a single genetic etiology.